The following is an entry in ClinVar:

NM_001904.4(CTNNB1):c.623T>C (p.Val208Ala)

Genes: CTNNB1 (catenin beta 1; plus strand), LOC126806658 (BRD4-independent group 4 enhancer GRCh37_chr3:41265899-41267098; plus strand). Cytogenetic location: 3p22.1.
Variant type: single nucleotide variant.
Coding change: c.623T>C on transcript NM_001904.4 (MANE Select); coding-DNA position 623, T replaced by C.
Protein change: p.Val208Ala; replaces valine 208 with alanine.
Molecular consequence: missense variant.
Genome position (GRCh38, 1-based): chr3:41,225,461, T>C. VCF-style: chr3-41225461-T-C. GRCh37 (hg19) VCF-style: chr3-41266952-T-C.
Other names: c.623T>C, p.Val208Ala (NM_001098209.2, NM_001098210.2, NM_001438871.1 and 4 more transcripts); c.602T>C, p.Val201Ala (NM_001330729.2); short protein forms V201A, V208A.
Identifiers: ClinVar variation 5020153 (VCV005020153.1).

ClinVar aggregate classification (germline): Uncertain significance (1 of 4 stars; one submission).

Submission:

Dasa
Classification: Uncertain significance. Last evaluated: 2026-07-22. Review status: criteria provided, single submitter. Criteria: DASA Assertion Criteria. Collection method: clinical testing. Allele origin: germline.
Comment: NM_001904.4(CTNNB1):c.623T>C (p.Val208Ala) is a missense variant that results in the substitution of valine with alanine. This variant is rare in population databases. The currently available literature and clinical evidence are not sufficient to establish a definitive association between this variant and the reported condition. Therefore, this variant is classified as a variant of uncertain significance.